The following is an entry in ClinVar:

ClinVar aggregate classification (germline): Likely benign (0 of 4 stars; one submission).

Conditions:
SIM1-related disorder. Also called: SIM1-related disorders; SIM1-related condition.

Allele frequency attached by ClinVar (database versions not stated): gnomAD exomes below 0.00001; ExAC 0.00001.
gnomAD v4.1: 1 of 1,614,032 alleles (0.000062%); highest among the groups gnomAD compares: Non-Finnish European, 0.000085%; no homozygotes.

Submission:

PreventionGenetics, part of Exact Sciences
Classification: Likely benign for SIM1-related condition. Last evaluated: 2022-12-21. Review status: no assertion criteria provided. Collection method: clinical testing. Allele origin: germline.
Comment: This variant is classified as likely benign based on ACMG/AMP sequence variant interpretation guidelines (Richards et al. 2015 PMID: 25741868, with internal and published modifications).

NM_005068.3(SIM1):c.474C>A (p.Arg158=)

Gene: SIM1 (SIM bHLH transcription factor 1; minus strand). Cytogenetic location: 6q16.3.
Variant type: single nucleotide variant.
Coding change: c.474C>A on transcript NM_005068.3 (MANE Select); coding-DNA position 474, C replaced by A.
Protein change: p.Arg158=; no amino-acid change (arginine 158 retained).
Molecular consequence: synonymous variant.
Genome position (GRCh38, 1-based): chr6:100,449,432, G>T on the plus strand (C>A on the coding strand, the complement: SIM1 is on the minus strand). VCF-style: chr6-100449432-G-T. GRCh37 (hg19) VCF-style: chr6-100897308-G-T.
Other names: c.474C>A, p.Arg158= (NM_001374769.1).
Identifiers: ClinVar variation 3047041 (VCV003047041.2), dbSNP rs762934961, ClinGen allele CA3937291.